The following is an entry in ClinVar:

NM_000219.6(KCNE1):c.172A>G (p.Thr58Ala)

Gene: KCNE1 (potassium voltage-gated channel subfamily E regulatory subunit 1; minus strand). Cytogenetic location: 21q22.12.
Variant type: single nucleotide variant.
Coding change: c.172A>G on transcript NM_000219.6 (MANE Select); coding-DNA position 172, A replaced by G.
Protein change: p.Thr58Ala; replaces threonine 58 with alanine.
Molecular consequence: missense variant.
Genome position (GRCh38, 1-based): chr21:34,449,463, T>C on the plus strand (A>G on the coding strand, the complement: KCNE1 is on the minus strand). VCF-style: chr21-34449463-T-C. GRCh37 (hg19) VCF-style: chr21-35821761-T-C.
Other names: c.172A>G, p.Thr58Ala (NM_001127668.4, NM_001127669.4, NM_001127670.4 and 4 more transcripts); short protein forms T58A.
Identifiers: ClinVar variation 1515622 (VCV001515622.8), dbSNP rs147187721, ClinGen allele CA410198338.

ClinVar aggregate classification (germline): Uncertain significance (1 of 4 stars; one submission).

Conditions:
Long QT syndrome (LQTS). Identifiers: MedGen C0023976, MeSH D008133, MONDO:0002442. Disease mechanism: loss of function. Inheritance: Various modes of inheritance.

Submissions (2):

Labcorp Genetics (formerly Invitae), Labcorp
Classification: Uncertain significance for Long QT syndrome. Last evaluated: 2021-12-11. Review status: criteria provided, single submitter. Criteria: Invitae Variant Classification Sherloc (09022015). Collection method: clinical testing. Allele origin: germline.
Comment: In summary, the available evidence is currently insufficient to determine the role of this variant in disease. Therefore, it has been classified as a Variant of Uncertain Significance. Experimental studies are conflicting or provide insufficient evidence to determine the effect of this variant on KCNE1 function (PMID: 21854832). Algorithms developed to predict the effect of missense changes on protein structure and function (SIFT, PolyPhen-2, Align-GVGD) all suggest that this variant is likely to be disruptive. This variant has not been reported in the literature in individuals affected with KCNE1-related conditions. This sequence change replaces threonine, which is neutral and polar, with alanine, which is neutral and non-polar, at codon 58 of the KCNE1 protein (p.Thr58Ala). This variant is not present in population databases (gnomAD no frequency).

Roden Lab, Vanderbilt University Medical Center
No classification provided (evidence only). Condition: Long QT syndrome 5. Review status: no classification provided. Collection method: in vitro. Allele origin: not applicable. Functional consequence: Effect on ion channel function. Not counted in ClinVar's aggregate classification.
ClinVar note: "not provided" was previously submitted as the classification for the variant. However, the classification appeared to be based only on an observation of functional data so it was converted to no classification on 2025-07-30.

Literature cited by the submitters: PubMed 21854832 (cited by Labcorp Genetics (formerly Invitae), Labcorp).